The following is an entry in ClinVar:

ClinVar aggregate classification (germline): Likely pathogenic (0 of 4 stars; one submission).

Conditions:
H4C3-related disorder. Also called: H4C3-related condition.

Submission:

PreventionGenetics, part of Exact Sciences
Classification: Likely pathogenic for H4C3-related condition. Last evaluated: 2024-02-08. Review status: no assertion criteria provided. Collection method: clinical testing. Allele origin: germline.
Comment: The H4C3 c.297T>G variant is predicted to result in premature protein termination (p.Tyr99*). To our knowledge, this variant has not been reported in the literature or in a large population database, indicating this variant is rare. De novo variants in H4C3 are expected to be pathogenic. This variant is interpreted as likely pathogenic.

NM_003542.4(H4C3):c.297T>G (p.Tyr99Ter)

Gene: H4C3 (H4 clustered histone 3; plus strand). Cytogenetic location: 6p22.2.
Variant type: single nucleotide variant.
Coding change: c.297T>G on transcript NM_003542.4 (MANE Select); coding-DNA position 297, T replaced by G.
Protein change: p.Tyr99Ter; replaces tyrosine 99 with a stop codon.
Molecular consequence: nonsense.
Genome position (GRCh38, 1-based): chr6:26,104,244, T>G. VCF-style: chr6-26104244-T-G. GRCh37 (hg19) VCF-style: chr6-26104472-T-G.
Other names: short protein forms Y99*.
Identifiers: ClinVar variation 3030693 (VCV003030693.2), dbSNP rs2481656826, ClinGen allele CA363181924.